The following is an entry in ClinVar:

NM_000226.4(KRT9):c.87G>A (p.Arg29=)

Gene: KRT9 (keratin 9; minus strand). Cytogenetic location: 17q21.2.
Variant type: single nucleotide variant.
Coding change: c.87G>A on transcript NM_000226.4 (MANE Select); coding-DNA position 87, G replaced by A.
Protein change: p.Arg29=; no amino-acid change (arginine 29 retained).
Molecular consequence: synonymous variant.
Genome position (GRCh38, 1-based): chr17:41,571,906, C>T on the plus strand (G>A on the coding strand, the complement: KRT9 is on the minus strand). VCF-style: chr17-41571906-C-T. GRCh37 (hg19) VCF-style: chr17-39728158-C-T.
Identifiers: ClinVar variation 3044333 (VCV003044333.3), dbSNP rs539408263, ClinGen allele CA8562327.

ClinVar aggregate classification (germline): Likely benign. Review status: criteria provided, single submitter (1 of 4 stars). 2 submissions from 2 submitters: Likely benign (1). 1 of the submissions does not count toward it. Last evaluated 2024-07-10.

Conditions:
KRT9-related disorder. Also called: KRT9-related condition.

Allele frequency attached by ClinVar (database versions not stated): ExAC 0.00003; gnomAD 0.00021; 1000 Genomes Project 0.00040; TOPMed 0.00051; 1000 Genomes Project 30x 0.00062.

Submissions (2):

Blueprint Genetics
Classification: Likely benign. Last evaluated: 2024-07-10. Review status: criteria provided, single submitter. Criteria: ACMG Guidelines, 2015. Collection method: clinical testing. Allele origin: germline.

PreventionGenetics, part of Exact Sciences
Classification: Likely benign for KRT9-related condition. Last evaluated: 2019-06-20. Review status: no assertion criteria provided. Collection method: clinical testing. Allele origin: germline. Not counted in ClinVar's aggregate classification.
Comment: This variant is classified as likely benign based on ACMG/AMP sequence variant interpretation guidelines (Richards et al. 2015 PMID: 25741868, with internal and published modifications).